The following is an entry in ClinVar:

ClinVar aggregate classification (germline): Likely pathogenic (1 of 4 stars; one submission).

Conditions:
Autosomal recessive limb-girdle muscular dystrophy type 2J (LGMDR10). Also called: Limb-girdle muscular dystrophy, type 2J; MUSCULAR DYSTROPHY, LIMB-GIRDLE, AUTOSOMAL RECESSIVE 10. Identifiers: Orphanet 140922, MedGen C1837342, MONDO:0012127, OMIM 608807.
Dilated cardiomyopathy 1G (CMD1G). Identifiers: Orphanet 154, MedGen C1858763, MONDO:0011400, OMIM 604145.

Submission:

Labcorp Genetics (formerly Invitae), Labcorp
Classification: Likely pathogenic for Dilated cardiomyopathy 1G; Autosomal recessive limb-girdle muscular dystrophy type 2J. Last evaluated: 2025-11-13. Review status: criteria provided, single submitter. Criteria: Invitae Variant Classification Sherloc (09022015). Collection method: clinical testing. Allele origin: germline.
Comment: This sequence change creates a premature translational stop signal (p.Leu23259*) in the TTN gene. While this is not anticipated to result in nonsense mediated decay, it is expected to create a truncated TTN protein. This variant is not present in population databases (gnomAD no frequency). This variant has not been reported in the literature in individuals affected with TTN-related conditions. This variant is located in the A band of TTN (PMID: 25589632). Truncating variants in this region are significantly overrepresented in patients affected with dilated cardiomyopathy (PMID: 25589632). Truncating variants in this region have also been reported in individuals affected with autosomal recessive centronuclear myopathy (PMID: 23975875). In summary, the currently available evidence indicates that the variant is pathogenic, but additional data are needed to prove that conclusively. Therefore, this variant has been classified as Likely Pathogenic.

Literature cited by the submitters: PubMed 25589632; PubMed 23975875.

NM_001267550.2(TTN):c.69776T>A (p.Leu23259Ter)

Genes: TTN-AS1 (TTN antisense RNA 1; plus strand), TTN (titin; minus strand), LOC126806422 (BRD4-independent group 4 enhancer GRCh37_chr2:179440205-179441404; plus strand). Cytogenetic location: 2q31.2.
Variant type: single nucleotide variant.
Coding change: c.69776T>A on transcript NM_001267550.2 (MANE Select); coding-DNA position 69776, T replaced by A.
Protein change: p.Leu23259Ter; replaces leucine 23259 with a stop codon.
Molecular consequence: nonsense.
Genome position (GRCh38, 1-based): chr2:178,576,356, A>T on the plus strand (T>A on the coding strand, the complement: TTN is on the minus strand). VCF-style: chr2-178576356-A-T. GRCh37 (hg19) VCF-style: chr2-179441083-A-T.
Other names: c.64853T>A, p.Leu21618Ter (NM_001256850.1); c.42581T>A, p.Leu14194Ter (NM_003319.4); c.62072T>A, p.Leu20691Ter (NM_133378.4); c.42956T>A, p.Leu14319Ter (NM_133432.3); c.43157T>A, p.Leu14386Ter (NM_133437.4); short protein forms L20691*, L21618*, L14319*, L14386*, L14194*, L23259*.
Identifiers: ClinVar variation 4786699 (VCV004786699.1).
Genomic context (GRCh38, chr2:178,576,356, plus strand): 5'-TGCTCCACGACATAGCCAGTGATTTCAAGTCCACCATCATAATGAGGCTTGCCCCATGCC[A>T]AAGAAGCAGATTTCTTGGTAGTATCAGTGACATGCGGATTTGAAGGTGGTCCTGGAGGAT-3'